The following is an entry in ClinVar:

NM_000268.4(NF2):c.960G>C (p.Gln320His)

Gene: NF2 (NF2, moesin-ezrin-radixin like (MERLIN) tumor suppressor; plus strand). Cytogenetic location: 22q12.2.
Variant type: single nucleotide variant.
Coding change: c.960G>C on transcript NM_000268.4 (MANE Select); coding-DNA position 960, G replaced by C.
Protein change: p.Gln320His; replaces glutamine 320 with histidine.
Molecular consequence: missense variant. On other transcripts: intron variant (1), non-coding transcript variant (1).
Genome position (GRCh38, 1-based): chr22:29,668,407, G>C. VCF-style: chr22-29668407-G-C. GRCh37 (hg19) VCF-style: chr22-30064396-G-C.
Other names: c.711G>C, p.Gln237His (NM_181831.3, NM_001407063.1, NM_001407064.1 and 1 more transcripts); c.447+26122G>C (NM_181833.3); c.960G>C, p.Gln320His (NM_181832.3, NM_001407060.1, NM_001407066.1 and 2 more transcripts); c.846G>C, p.Gln282His (NM_001407053.1, NM_001407056.1); c.837G>C, p.Gln279His (NM_001407054.1, NM_001407058.1, NM_181829.3); c.834G>C, p.Gln278His (NM_001407055.1, NM_181828.3); c.825G>C, p.Gln275His (NM_001407057.1, NM_001407059.1); c.702G>C, p.Gln234His (NM_001407062.1); and 2 more; short protein forms Q142H, Q278H, Q275H, Q279H, Q320H, Q237H, Q282H, Q234H.
Identifiers: ClinVar variation 1767568 (VCV001767568.2), dbSNP rs2518646075, ClinGen allele CA411145935.
Genomic context (GRCh38, chr22:29,668,407, plus strand): 5'-TATCGGGAACCATGATCTATTTATGAGGAGAAGGAAAGCCGATTCTTTGGAAGTTCAGCA[G>C]ATGAAAGCCCAGGCCAGGGAGGAGAAGGCTAGAAAGCAGGTGAGCACAACCTTGTTTTAA-3'
Protein context (NP_000259.1, residues 310-330): RRKADSLEVQ[Gln320His]MKAQAREEKA

ClinVar aggregate classification (germline): Uncertain significance (1 of 4 stars; one submission).

Conditions:
Hereditary cancer-predisposing syndrome. Also called: Hereditary Cancer Syndrome; Hereditary neoplastic syndrome; Neoplastic Syndromes, Hereditary; Tumor predisposition. Identifiers: Orphanet 140162, MedGen C0027672, MeSH D009386, MONDO:0015356.

Submission:

Ambry Genetics
Classification: Uncertain significance for Hereditary cancer-predisposing syndrome. Last evaluated: 2021-02-23. Review status: criteria provided, single submitter. Criteria: Ambry Variant Classification Scheme 2023. Collection method: clinical testing. Allele origin: germline.
Comment: The p.Q320H variant (also known as c.960G>C), located in coding exon 10 of the NF2 gene, results from a G to C substitution at nucleotide position 960. The glutamine at codon 320 is replaced by histidine, an amino acid with highly similar properties. This amino acid position is highly conserved in available vertebrate species. In addition, the in silico prediction for this alteration is inconclusive. Since supporting evidence is limited at this time, the clinical significance of this alteration remains unclear.